The following is an entry in ClinVar:

NM_004333.6(BRAF):c.943G>A (p.Gly315Arg)

Gene: BRAF (B-Raf proto-oncogene, serine/threonine kinase; minus strand). Cytogenetic location: 7q34.
Variant type: single nucleotide variant.
Coding change: c.943G>A on transcript NM_004333.6 (MANE Select); coding-DNA position 943, G replaced by A.
Protein change: p.Gly315Arg; replaces glycine 315 with arginine.
Molecular consequence: missense variant.
Genome position (GRCh38, 1-based): chr7:140,800,399, C>T on the plus strand (G>A on the coding strand, the complement: BRAF is on the minus strand). VCF-style: chr7-140800399-C-T. GRCh37 (hg19) VCF-style: chr7-140500199-C-T.
Other names: c.943G>A, p.Gly315Arg (NM_001354609.2, NM_001374244.1, NM_001374258.1 and 4 more transcripts); c.952G>A, p.Gly318Arg (NM_001378467.1); c.841G>A, p.Gly281Arg (NM_001378470.1); c.787G>A, p.Gly263Arg (NM_001378472.1, NM_001378473.1); c.679G>A, p.Gly227Arg (NM_001378475.1); short protein forms G263R, G281R, G315R, G318R, G227R.
Identifiers: ClinVar variation 2156732 (VCV002156732.5), dbSNP rs1382327548, ClinGen allele CA369590378.

ClinVar aggregate classification (germline): Uncertain significance. Review status: criteria provided, multiple submitters, no conflicts (2 of 4 stars). 2 submissions from 2 submitters: Uncertain significance (2). Last evaluated 2023-05-01.

Conditions:
RASopathy. Also called: Noonan spectrum disorder; rasopathies. Identifiers: Orphanet 536391, MedGen C5555857, MONDO:0021060.

Allele frequency attached by ClinVar (database versions not stated): gnomAD exomes below 0.00001.
gnomAD v4.1: 1 of 1,614,154 alleles (0.000062%); highest among the groups gnomAD compares: African/African-American, 0.0013%; no homozygotes.

Submissions (2):

GeneDx
Classification: Uncertain significance. Last evaluated: 2023-05-01. Review status: criteria provided, single submitter. Criteria: GeneDx Variant Classification Process June 2021. Collection method: clinical testing. Allele origin: germline. Affected: yes.
Comment: Missense variants in this gene are often considered pathogenic (HGMD); In silico analysis supports that this missense variant does not alter protein structure/function; Has not been previously published as pathogenic or benign to our knowledge

Labcorp Genetics (formerly Invitae), Labcorp
Classification: Uncertain significance for RASopathy. Last evaluated: 2022-11-17. Review status: criteria provided, single submitter. Criteria: Invitae Variant Classification Sherloc (09022015). Collection method: clinical testing. Allele origin: germline.
Comment: In summary, the available evidence is currently insufficient to determine the role of this variant in disease. Therefore, it has been classified as a Variant of Uncertain Significance. Advanced modeling of protein sequence and biophysical properties (such as structural, functional, and spatial information, amino acid conservation, physicochemical variation, residue mobility, and thermodynamic stability) performed at Invitae indicates that this missense variant is not expected to disrupt BRAF protein function. This variant has not been reported in the literature in individuals affected with BRAF-related conditions. This variant is present in population databases (no rsID available, gnomAD 0.007%). This sequence change replaces glycine, which is neutral and non-polar, with arginine, which is basic and polar, at codon 315 of the BRAF protein (p.Gly315Arg).